The following is an entry in ClinVar:

NM_017739.4(POMGNT1):c.1539+119A>G

Genes: POMGNT1 (protein O-linked mannose N-acetylglucosaminyltransferase 1 (beta 1,2-); minus strand), TSPAN1 (tetraspanin 1; plus strand). Cytogenetic location: 1p34.1.
Variant type: single nucleotide variant.
Coding change: c.1539+119A>G on transcript NM_017739.4 (MANE Select); 119 bases into the intron after coding-DNA position 1539, A replaced by G.
Molecular consequence: intron variant.
Genome position (GRCh38, 1-based): chr1:46,191,979, T>C on the plus strand (A>G on the coding strand, the complement: POMGNT1 is on the minus strand). VCF-style: chr1-46191979-T-C. GRCh37 (hg19) VCF-style: chr1-46657651-T-C.
Other names: c.1539+119A>G (NM_001437653.1, NM_001410783.1, NM_001438689.1 and 3 more transcripts); c.1473+119A>G (NM_001438692.1, NM_001290129.3, NM_001438691.1); c.1110+119A>G (NM_001290130.2).
Identifiers: ClinVar variation 667975 (VCV000667975.2), dbSNP rs7521880, ClinGen allele CA10670802.

ClinVar aggregate classification (germline): Benign. Review status: criteria provided, multiple submitters, no conflicts (2 of 4 stars). 2 submissions from 2 submitters: Benign (2). Last evaluated 2018-06-14.

Allele frequency attached by ClinVar (database versions not stated): 1000 Genomes Project 0.33367; 1000 Genomes Project 30x 0.33463; TOPMed 0.34333; gnomAD 0.34864 and 0.34976; gnomAD exomes 0.35426.
gnomAD v4.1: 505,070 of 1,430,214 alleles (35%); highest among the groups gnomAD compares: South Asian, 45%; 91,057 homozygotes.

Submissions (2):

GeneDx
Classification: Benign. Last evaluated: 2018-06-14. Review status: criteria provided, single submitter. Criteria: GeneDx Variant Classification (06012015). Collection method: clinical testing. Allele origin: germline. Affected: yes.
Comment: This variant is considered likely benign or benign based on one or more of the following criteria: it is a conservative change, it occurs at a poorly conserved position in the protein, it is predicted to be benign by multiple in silico algorithms, and/or has population frequency not consistent with disease.

Breakthrough Genomics
Classification: Benign. Review status: criteria provided, single submitter. Criteria: ACMG Guidelines, 2015. Collection method: not provided. Allele origin: germline. Inheritance: Autosomal recessive inheritance. Affected: yes.